The following is an entry in ClinVar:

ClinVar aggregate classification (germline): Conflicting classifications of pathogenicity. Review status: criteria provided, conflicting classifications (1 of 4 stars). 2 submissions from 2 submitters: Uncertain significance (1); Likely benign (1). Last evaluated 2022-06-03.

gnomAD v4.1: 7 of 1,609,096 alleles (0.00044%); highest among the groups gnomAD compares: Non-Finnish European, 0.00059%; no homozygotes.

Submissions (2):

Labcorp Genetics (formerly Invitae), Labcorp
Classification: Uncertain significance. Last evaluated: 2022-06-03. Review status: criteria provided, single submitter. Criteria: Invitae Variant Classification Sherloc (09022015). Collection method: clinical testing. Allele origin: germline.
Comment: This sequence change falls in intron 13 of the ADAMTS10 gene. It does not directly change the encoded amino acid sequence of the ADAMTS10 protein. It affects a nucleotide within the consensus splice site. This variant is not present in population databases (gnomAD no frequency). This variant has not been reported in the literature in individuals affected with ADAMTS10-related conditions. Variants that disrupt the consensus splice site are a relatively common cause of aberrant splicing (PMID: 17576681, 9536098). Algorithms developed to predict the effect of sequence changes on RNA splicing suggest that this variant is not likely to affect RNA splicing. In summary, the available evidence is currently insufficient to determine the role of this variant in disease. Therefore, it has been classified as a Variant of Uncertain Significance.

Blueprint Genetics
Classification: Likely benign. Last evaluated: 2021-12-22. Review status: criteria provided, single submitter. Criteria: ACMG Guidelines, 2015. Collection method: clinical testing. Allele origin: germline.

Literature cited by the submitters: PubMed 17576681 (cited by Labcorp Genetics (formerly Invitae), Labcorp); PubMed 9536098 (cited by Labcorp Genetics (formerly Invitae), Labcorp).

NM_030957.4(ADAMTS10):c.1587+6C>T

Gene: ADAMTS10 (ADAM metallopeptidase with thrombospondin type 1 motif 10; minus strand). Cytogenetic location: 19p13.2.
Variant type: single nucleotide variant.
Coding change: c.1587+6C>T on transcript NM_030957.4 (MANE Select); 6 bases into the intron after coding-DNA position 1587, C replaced by T.
Molecular consequence: intron variant.
Genome position (GRCh38, 1-based): chr19:8,592,757, G>A on the plus strand (C>T on the coding strand, the complement: ADAMTS10 is on the minus strand). VCF-style: chr19-8592757-G-A. GRCh37 (hg19) VCF-style: chr19-8657641-G-A.
Identifiers: ClinVar variation 2118101 (VCV002118101.5), dbSNP rs922648355, ClinGen allele CA305001505.